The following is an entry in ClinVar:

ClinVar aggregate classification (germline): Uncertain significance (1 of 4 stars; one submission).

Conditions:
Hereditary cancer-predisposing syndrome. Also called: Neoplastic Syndromes, Hereditary; Tumor predisposition; Hereditary Cancer Syndrome; Hereditary neoplastic syndrome. Identifiers: Orphanet 140162, MedGen C0027672, MeSH D009386, MONDO:0015356.

Submission:

Ambry Genetics
Classification: Uncertain significance for Hereditary cancer-predisposing syndrome. Last evaluated: 2024-07-13. Review status: criteria provided, single submitter. Criteria: Ambry Variant Classification Scheme 2023. Collection method: clinical testing. Allele origin: germline.
Comment: The p.N458T variant (also known as c.1373A>C), located in coding exon 9 of the PDGFRA gene, results from an A to C substitution at nucleotide position 1373. The asparagine at codon 458 is replaced by threonine, an amino acid with similar properties. This amino acid position is conserved. In addition, the in silico prediction for this alteration is inconclusive. Based on the available evidence, the clinical significance of this variant remains unclear.

NM_006206.6(PDGFRA):c.1373A>C (p.Asn458Thr)

Gene: PDGFRA (platelet derived growth factor receptor alpha; plus strand). Cytogenetic location: 4q12.
Variant type: single nucleotide variant.
Coding change: c.1373A>C on transcript NM_006206.6 (MANE Select); coding-DNA position 1373, A replaced by C.
Protein change: p.Asn458Thr; replaces asparagine 458 with threonine.
Molecular consequence: missense variant.
Genome position (GRCh38, 1-based): chr4:54,273,545, A>C. VCF-style: chr4-54273545-A-C. GRCh37 (hg19) VCF-style: chr4-55139712-A-C.
Other names: c.1373A>C, p.Asn458Thr (NM_001347827.2, NM_001347829.2); c.1448A>C, p.Asn483Thr (NM_001347828.2); c.1412A>C, p.Asn471Thr (NM_001347830.2); short protein forms N471T, N483T, N458T.
Identifiers: ClinVar variation 3416388 (VCV003416388.1).